The following is an entry in ClinVar:

ClinVar aggregate classification (germline): Likely benign (1 of 4 stars; one submission).

Conditions:
UCP3-related disorder. Also called: UCP3-related condition.

gnomAD v4.1: 9 of 1,613,978 alleles (0.00056%); highest among the groups gnomAD compares: Non-Finnish European, 0.00068%; no homozygotes.

Submission:

PreventionGenetics, part of Exact Sciences
Classification: Likely benign for UCP3-related condition. Last evaluated: 2025-11-18. Review status: criteria provided, single submitter. Criteria: ACMG Guidelines, 2015. Collection method: clinical testing. Allele origin: germline.
Comment: This variant is classified as likely benign based on ACMG/AMP sequence variant interpretation guidelines (Richards et al. 2015 PMID: 25741868, with internal and published modifications).

NM_003356.4(UCP3):c.264G>A (p.Gln88=)

Gene: UCP3 (uncoupling protein 3; minus strand). Cytogenetic location: 11q13.4.
Variant type: single nucleotide variant.
Coding change: c.264G>A on transcript NM_003356.4 (MANE Select); coding-DNA position 264, G replaced by A.
Protein change: p.Gln88=; no amino-acid change (glutamine 88 retained).
Molecular consequence: synonymous variant.
Genome position (GRCh38, 1-based): chr11:74,006,242, C>T on the plus strand (G>A on the coding strand, the complement: UCP3 is on the minus strand). VCF-style: chr11-74006242-C-T. GRCh37 (hg19) VCF-style: chr11-73717287-C-T.
Other names: c.264G>A, p.Gln88= (NM_022803.3).
Identifiers: ClinVar variation 4979836 (VCV004979836.1).